The following is an entry in ClinVar:

ClinVar aggregate classification (germline): Uncertain significance. Review status: criteria provided, multiple submitters, no conflicts (2 of 4 stars). 5 submissions from 5 submitters: Uncertain significance (5). Last evaluated 2026-01-28.

Conditions:
Cardiovascular phenotype. Identifiers: MedGen CN230736.
Juvenile myelomonocytic leukemia (JMML). Also called: LEUKEMIA, JUVENILE MYELOMONOCYTIC, SOMATIC. Identifiers: Orphanet 86834, MedGen C0349639, MONDO:0011908, OMIM 607785, HP:0012209.
CBL-related disorder. Also called: NOONAN SYNDROME-LIKE DISORDER WITHOUT JUVENILE MYELOMONOCYTIC LEUKEMIA; CBL MUTATION-ASSOCIATED SYNDROME; CBL SYNDROME. Identifiers: Orphanet 363972, MedGen C3150803, MONDO:0013308, OMIM 613563.
RASopathy. Also called: rasopathies; Noonan spectrum disorder. Identifiers: Orphanet 536391, MedGen C5555857, MONDO:0021060.

Allele frequency attached by ClinVar (database versions not stated): ExAC 0.00002; TOPMed 0.00002; gnomAD exomes 0.00003 and 0.00004; gnomAD 0.00004; 1000 Genomes Project 30x 0.00016; 1000 Genomes Project 0.00020.
gnomAD v4.1: 68 of 1,614,138 alleles (0.0042%); highest among the groups gnomAD compares: South Asian, 0.0077%; no homozygotes.

Submissions (5):

Labcorp Genetics (formerly Invitae), Labcorp
Classification: Uncertain significance for RASopathy. Last evaluated: 2026-01-28. Review status: criteria provided, single submitter. Criteria: Invitae Variant Classification Sherloc (09022015). Collection method: clinical testing. Allele origin: germline.
Comment: This sequence change replaces proline, which is neutral and non-polar, with leucine, which is neutral and non-polar, at codon 504 of the CBL protein (p.Pro504Leu). This variant is present in population databases (rs533554769, gnomAD 0.006%). This variant has not been reported in the literature in individuals affected with CBL-related conditions. ClinVar contains an entry for this variant (Variation ID: 240119). Invitae Evidence Modeling of protein sequence and biophysical properties (such as structural, functional, and spatial information, amino acid conservation, physicochemical variation, residue mobility, and thermodynamic stability) indicates that this missense variant is not expected to disrupt CBL protein function with a negative predictive value of 95%. In summary, the available evidence is currently insufficient to determine the role of this variant in disease. Therefore, it has been classified as a Variant of Uncertain Significance.

Revvity Omics, Revvity
Classification: Uncertain significance. Last evaluated: 2025-02-25. Review status: criteria provided, single submitter. Criteria: ACMG Guidelines, 2015. Collection method: clinical testing. Allele origin: germline.

Ambry Genetics
Classification: Uncertain significance for Cardiovascular phenotype. Last evaluated: 2024-11-18. Review status: criteria provided, single submitter. Criteria: Ambry Variant Classification Scheme 2023. Collection method: clinical testing. Allele origin: germline.
Comment: The p.P504L variant (also known as c.1511C>T), located in coding exon 10 of the CBL gene, results from a C to T substitution at nucleotide position 1511. The proline at codon 504 is replaced by leucine, an amino acid with similar properties. This amino acid position is conserved. In addition, this alteration is predicted to be tolerated by in silico analysis. Based on the available evidence, the clinical significance of this variant remains unclear.

Fulgent Genetics
Classification: Uncertain significance for Juvenile myelomonocytic leukemia; CBL-related disorder. Last evaluated: 2021-10-11. Review status: criteria provided, single submitter. Criteria: ACMG Guidelines, 2015. Collection method: clinical testing. Allele origin: unknown.

Laboratory for Molecular Medicine, Mass General Brigham Personalized Medicine
Classification: Uncertain significance. Last evaluated: 2018-03-06. Review status: criteria provided, single submitter. Criteria: LMM Criteria. Collection method: clinical testing. Allele origin: germline.
Comment: Disclaimer: This variant has not undergone full assessment. The following are preliminary notes: VUS in ClinVar by Invitae; 7/246262 total chrs in GnomAd; not in hgmd or google search; predicted benign and not conserved.

NM_005188.4(CBL):c.1511C>T (p.Pro504Leu)

Gene: CBL (Cbl proto-oncogene; plus strand). Cytogenetic location: 11q23.3.
Variant type: single nucleotide variant.
Coding change: c.1511C>T on transcript NM_005188.4 (MANE Select); coding-DNA position 1511, C replaced by T.
Protein change: p.Pro504Leu; replaces proline 504 with leucine.
Molecular consequence: missense variant.
Genome position (GRCh38, 1-based): chr11:119,285,048, C>T. VCF-style: chr11-119285048-C-T. GRCh37 (hg19) VCF-style: chr11-119155758-C-T.
Other names: c.1511C>T (NM_005188.2); short protein forms P504L.
Identifiers: ClinVar variation 240119 (VCV000240119.15), dbSNP rs533554769, ClinGen allele CA6318541.
Genomic context (GRCh38, chr11:119,285,048, plus strand): 5'-CATTCTCCATGGCCCCACAAGCTTCCCTTCCCCCGGTGCCACCACGACTTGACCTTCTGC[C>T]GCAGCGAGTATGTGTTCCCTCAAGTGCTTCTGCTCTTGGAACTGCTTCTAAGGTAAAGCA-3'
Protein context (NP_005179.2, residues 494-514): PPVPPRLDLL[Pro504Leu]QRVCVPSSAS